The following is an entry in ClinVar:

NM_138420.4(AHNAK2):c.9927A>C (p.Lys3309Asn)

Gene: AHNAK2 (AHNAK nucleoprotein 2; minus strand). Cytogenetic location: 14q32.33.
Variant type: single nucleotide variant.
Coding change: c.9927A>C on transcript NM_138420.4 (MANE Select); coding-DNA position 9927, A replaced by C.
Protein change: p.Lys3309Asn; replaces lysine 3309 with asparagine.
Molecular consequence: missense variant.
Genome position (GRCh38, 1-based): chr14:104,945,524, T>G on the plus strand (A>C on the coding strand, the complement: AHNAK2 is on the minus strand). VCF-style: chr14-104945524-T-G. GRCh37 (hg19) VCF-style: chr14-105411861-T-G.
Other names: c.9627A>C, p.Lys3209Asn (NM_001350929.2); short protein forms K3209N, K3309N.
Identifiers: ClinVar variation 3512037 (VCV003512037.3).

ClinVar aggregate classification (germline): Uncertain significance. Review status: criteria provided, multiple submitters, no conflicts (2 of 4 stars). 2 submissions from 2 submitters: Uncertain significance (2). Last evaluated 2026-02-19.

Submissions (2):

Dasa
Classification: Uncertain significance. Last evaluated: 2026-02-19. Review status: criteria provided, single submitter. Criteria: DASA Assertion Criteria. Collection method: clinical testing. Allele origin: germline.
Comment: NM_138420.4(AHNAK2):c.9927A>C (p.Lys3309Asn) is a missense variant that results in the substitution of lysine with asparagine. This variant is rare in population databases. The currently available literature and clinical evidence are not sufficient to establish a definitive association between this variant and the reported condition. Therefore, this variant is classified as a variant of uncertain significance.

Ambry Genetics
Classification: Uncertain significance. Last evaluated: 2024-12-06. Review status: criteria provided, single submitter. Criteria: Ambry Variant Classification Scheme 2023. Collection method: clinical testing. Allele origin: germline.